The following is an entry in ClinVar:

NM_138694.4(PKHD1):c.11756C>T (p.Pro3919Leu)

Gene: PKHD1 (PKHD1 ciliary IPT domain containing fibrocystin/polyductin; minus strand). Cytogenetic location: 6p12.3.
Variant type: single nucleotide variant.
Coding change: c.11756C>T on transcript NM_138694.4 (MANE Select); coding-DNA position 11756, C replaced by T.
Protein change: p.Pro3919Leu; replaces proline 3919 with leucine.
Molecular consequence: missense variant.
Genome position (GRCh38, 1-based): chr6:51,627,026, G>A on the plus strand (C>T on the coding strand, the complement: PKHD1 is on the minus strand). VCF-style: chr6-51627026-G-A. GRCh37 (hg19) VCF-style: chr6-51491824-G-A.
Other names: short protein forms P3919L.
Identifiers: ClinVar variation 969420 (VCV000969420.11), dbSNP rs775014599, ClinGen allele CA3850712.

ClinVar aggregate classification (germline): Uncertain significance. Review status: criteria provided, multiple submitters, no conflicts (2 of 4 stars). 5 submissions from 5 submitters: Uncertain significance (4). 1 of the submissions does not count toward it. Last evaluated 2025-11-07.

Conditions:
Polycystic kidney disease 4 (PKD4). Also called: Autosomal Recessive Polycystic Kidney Disease – PKHD1; POLYCYSTIC KIDNEY AND HEPATIC DISEASE 1; POLYCYSTIC KIDNEY DISEASE, INFANTILE, TYPE I; PKD3; POLYCYSTIC KIDNEY DISEASE 4 WITH OR WITHOUT POLYCYSTIC LIVER DISEASE. Identifiers: MedGen C4540575, MONDO:0033004, OMIM 263200.
PKHD1-related disorder. Also called: PKHD1-related condition.
Autosomal recessive polycystic kidney disease (ARPKD). Also called: AR polycystic kidney disease. Identifiers: Orphanet 731, Orphanet 8378, MedGen C0085548, MeSH D017044, MONDO:0009889.

Allele frequency attached by ClinVar (database versions not stated): ExAC 0.00002; gnomAD exomes 0.00002 and 0.00009; gnomAD 0.00003; TOPMed 0.00003.
gnomAD v4.1: 135 of 1,613,288 alleles (0.0084%); highest among the groups gnomAD compares: Non-Finnish European, 0.011%; no homozygotes.

Submissions (5):

PreventionGenetics, part of Exact Sciences
Classification: Uncertain significance for PKHD1-related condition. Last evaluated: 2025-11-07. Review status: criteria provided, single submitter. Criteria: ACMG Guidelines, 2015. Collection method: clinical testing. Allele origin: germline.
Comment: The PKHD1 c.11756C>T variant is predicted to result in the amino acid substitution p.Pro3919Leu. To our knowledge, this variant has not been reported in the literature. This variant is reported in 0.0029% of alleles in individuals of Latino descent in gnomAD. At this time, the clinical significance of this variant is uncertain due to the absence of conclusive functional and genetic evidence.

GeneDx
Classification: Uncertain significance. Last evaluated: 2024-08-02. Review status: criteria provided, single submitter. Criteria: GeneDx Variant Classification Process June 2021. Collection method: clinical testing. Allele origin: germline. Affected: yes.
Comment: Not observed at significant frequency in large population cohorts (gnomAD); In silico analysis indicates that this missense variant does not alter protein structure/function; Has not been previously published as pathogenic or benign to our knowledge

Fulgent Genetics
Classification: Uncertain significance for Polycystic kidney disease 4. Last evaluated: 2021-12-30. Review status: criteria provided, single submitter. Criteria: ACMG Guidelines, 2015. Collection method: clinical testing. Allele origin: unknown.

Labcorp Genetics (formerly Invitae), Labcorp
Classification: Uncertain significance for Autosomal recessive polycystic kidney disease. Last evaluated: 2021-08-31. Review status: criteria provided, single submitter. Criteria: Invitae Variant Classification Sherloc (09022015). Collection method: clinical testing. Allele origin: germline.
Comment: This sequence change replaces proline with leucine at codon 3919 of the PKHD1 protein (p.Pro3919Leu). The proline residue is weakly conserved and there is a moderate physicochemical difference between proline and leucine. This variant is present in population databases (rs775014599, ExAC 0.003%). This variant has not been reported in the literature in individuals affected with PKHD1-related conditions. Algorithms developed to predict the effect of missense changes on protein structure and function (SIFT, PolyPhen-2, Align-GVGD) all suggest that this variant is likely to be tolerated. In summary, the available evidence is currently insufficient to determine the role of this variant in disease. Therefore, it has been classified as a Variant of Uncertain Significance.

Natera, Inc.
Classification: Uncertain significance for Autosomal recessive polycystic kidney disease. Last evaluated: 2018-07-16. Review status: no assertion criteria provided. Collection method: clinical testing. Allele origin: germline. Not counted in ClinVar's aggregate classification.